The following is an entry in ClinVar:

ClinVar aggregate classification (germline): Uncertain significance. Review status: criteria provided, multiple submitters, no conflicts (2 of 4 stars). 3 submissions from 3 submitters: Uncertain significance (3). Last evaluated 2023-12-18.

Conditions:
Hypertrophic cardiomyopathy. Also called: HYPERTROPHIC MYOCARDIOPATHY. Identifiers: Orphanet 217569, MedGen C0007194, MeSH D002312, MONDO:0005045, HP:0001639.

Submissions (3):

All of Us Research Program, National Institutes of Health
Classification: Uncertain significance for Hypertrophic cardiomyopathy. Last evaluated: 2023-12-18. Review status: criteria provided, single submitter. Criteria: ACMG Guidelines, 2015. Collection method: clinical testing. Allele origin: germline. Inheritance: Autosomal dominant inheritance. Observed: 1 variant allele, 1 heterozygote.
Comment: This missense variant replaces lysine with glutamic acid at codon 98 of the MYL3 protein. Computational prediction suggests that this variant may not impact protein structure and function (internally defined REVEL score threshold <= 0.5, PMID: 27666373). To our knowledge, functional studies have not been reported for this variant. This variant has not been reported in individuals affected with MYL3-related disorders in the literature. This variant has not been identified in the general population by the Genome Aggregation Database (gnomAD). The available evidence is insufficient to determine the role of this variant in disease conclusively. Therefore, this variant is classified as a Variant of Uncertain Significance.

This study involves interpretation of variants in research participants for the purpose of population health screening. Participant phenotype was not available at the time of variant classification. Additional details can be found in publication PMID: 35346344, PMCID: PMC8962531

Labcorp Genetics (formerly Invitae), Labcorp
Classification: Uncertain significance for Hypertrophic cardiomyopathy. Last evaluated: 2021-11-24. Review status: criteria provided, single submitter. Criteria: Invitae Variant Classification Sherloc (09022015). Collection method: clinical testing. Allele origin: germline.
Comment: This sequence change replaces lysine, which is basic and polar, with glutamic acid, which is acidic and polar, at codon 98 of the MYL3 protein (p.Lys98Glu). This variant is not present in population databases (gnomAD no frequency). This variant has not been reported in the literature in individuals affected with MYL3-related conditions. ClinVar contains an entry for this variant (Variation ID: 181442). Algorithms developed to predict the effect of missense changes on protein structure and function are either unavailable or do not agree on the potential impact of this missense change (SIFT: "Tolerated"; PolyPhen-2: "Possibly Damaging"; Align-GVGD: "Class C0"). In summary, the available evidence is currently insufficient to determine the role of this variant in disease. Therefore, it has been classified as a Variant of Uncertain Significance.

GeneDx
Classification: Uncertain significance. Last evaluated: 2012-10-22. Review status: criteria provided, single submitter. Criteria: GeneDx Variant Classification (06012015). Collection method: clinical testing. Allele origin: germline. Affected: yes.
Comment: The Lys98Glu variant in the MYL3 gene has not been reported as a disease-causing mutation or as a benign polymorphism to our knowledge. Lys98Glu results in a non-conservative amino acid substitution of a positively charged Lysine with a negatively charged Glutamic acid at a position that is class conserved across species. A mutation in a nearby codon (Arg94His) has been reported in association with HCM, supporting the functional importance of this region of the protein. The NHLBI ESP Exome Variant Server reports Lys98Glu was not observed in approximately 6,500 samples from individuals of European and African American backgrounds, indicating it is not a common benign variant in these populations. Therefore, based on the currently available information, it is unclear whether this variant is a pathogenic mutation or a rare benign variant. The variant is found in HCM panel(s).

NM_000258.3(MYL3):c.292A>G (p.Lys98Glu)

Gene: MYL3 (myosin light chain 3; minus strand). Cytogenetic location: 3p21.31.
Variant type: single nucleotide variant.
Coding change: c.292A>G on transcript NM_000258.3 (MANE Select); coding-DNA position 292, A replaced by G.
Protein change: p.Lys98Glu; replaces lysine 98 with glutamic acid.
Molecular consequence: missense variant.
Genome position (GRCh38, 1-based): chr3:46,860,691, T>C on the plus strand (A>G on the coding strand, the complement: MYL3 is on the minus strand). VCF-style: chr3-46860691-T-C. GRCh37 (hg19) VCF-style: chr3-46902181-T-C.
Other names: p.K98E:AAG>GAG; short protein forms K98E.
Identifiers: ClinVar variation 181442 (VCV000181442.9), dbSNP rs730880957, ClinGen allele CA013735.
Genomic context (GRCh38, chr3:46,860,691, plus strand): 5'-CTCCCCGGTACTAACACTATGGGGGCTCTCGGGCAGGTGCACTACCTTCCTGTCTTGGCT[T>C]CCCCAGGACACGGAGCACTTCTGCCTGTGTGGGGTTCTGGCCCAGCGCCCGCAGGACATC-3'
Protein context (NP_000249.1, residues 88-108): TQAEVLRVLG[Lys98Glu]PRQEELNTKM